The following is an entry in ClinVar:

ClinVar aggregate classification (germline): Uncertain significance (1 of 4 stars; one submission).

Submission:

Labcorp Genetics (formerly Invitae), Labcorp
Classification: Uncertain significance. Last evaluated: 2023-05-16. Review status: criteria provided, single submitter. Criteria: Invitae Variant Classification Sherloc (09022015). Collection method: clinical testing. Allele origin: germline.
Comment: This variant is not present in population databases (gnomAD no frequency). This variant has not been reported in the literature in individuals affected with FBXO11-related conditions. Experimental studies and prediction algorithms are not available or were not evaluated, and the functional significance of this variant is currently unknown. In summary, the available evidence is currently insufficient to determine the role of this variant in disease. Therefore, it has been classified as a Variant of Uncertain Significance. This sequence change replaces asparagine, which is neutral and polar, with serine, which is neutral and polar, at codon 2 of the FBXO11 protein (p.Asn2Ser).

NM_001190274.2(FBXO11):c.5A>G (p.Asn2Ser)

Genes: FBXO11 (F-box protein 11; minus strand), LOC100506235 (uncharacterized LOC100506235; plus strand). Cytogenetic location: 2p16.3.
Variant type: single nucleotide variant.
Coding change: c.5A>G on transcript NM_001190274.2 (MANE Select); coding-DNA position 5, A replaced by G.
Protein change: p.Asn2Ser; replaces asparagine 2 with serine.
Molecular consequence: missense variant. On other transcripts: non-coding transcript variant (1).
Genome position (GRCh38, 1-based): chr2:47,905,716, T>C on the plus strand (A>G on the coding strand, the complement: FBXO11 is on the minus strand). VCF-style: chr2-47905716-T-C. GRCh37 (hg19) VCF-style: chr2-48132855-T-C.
Other names: short protein forms N2S.
Identifiers: ClinVar variation 2868697 (VCV002868697.3), dbSNP rs1572943866, ClinGen allele CA346813228.